The following is an entry in ClinVar:

ClinVar aggregate classification (germline): Pathogenic. Review status: criteria provided, multiple submitters, no conflicts (2 of 4 stars). 3 submissions from 3 submitters: Pathogenic (2). 1 of the submissions does not count toward it. Last evaluated 2023-09-13.

Conditions:
Combined oxidative phosphorylation deficiency 40. Identifiers: Orphanet 570491, MedGen C5394232, MONDO:0030006, OMIM 618835.

Allele frequency attached by ClinVar (database versions not stated): gnomAD exomes 0.00001 and 0.00002; gnomAD 0.00002; TOPMed 0.00002.
gnomAD v4.1: 32 of 1,600,180 alleles (0.002%); highest among the groups gnomAD compares: Non-Finnish European, 0.0023%; no homozygotes.

Submissions (3):

Women's Health and Genetics/Laboratory Corporation of America, LabCorp
Classification: Pathogenic for Combined oxidative phosphorylation deficiency 40. Last evaluated: 2023-09-13. Review status: criteria provided, single submitter. Criteria: LabCorp Variant Classification Summary - May 2015. Collection method: clinical testing. Allele origin: germline.
Comment: Variant summary: QRSL1 c.850-3A>G alters a non-conserved nucleotide located close to a canonical splice site and therefore could affect mRNA splicing, leading to a significantly altered protein sequence. Consensus agreement among computation tools predict no significant impact on normal splicing. However, at least one publication reports experimental evidence that this variant affects mRNA splicing, leading to a 60% reduction in the amount of wild-type cDNA and the production of two alternative transcripts with premature termination codons (e.g., Kamps_2018). The variant allele was found at a frequency of 8.3e-06 in 239564 control chromosomes (gnomAD). The available data on variant occurrences in the general population are insufficient to allow any conclusion about variant significance. c.850-3A>G has been reported in the literature in two homozygous siblings affected with Combined Oxidative Phosphorylation Deficiency 40 (e.g., Kamps_2018), and the variant was shown to segregate with disease among related individuals. These data indicate that the variant is very likely to be associated with disease. At least one publication reports experimental evidence evaluating an impact on protein function, finding that the variant resulted in approximately 30%-50% of normal OXPHOS activity (e.g., Kamps_2018). The following publication was ascertained in the context of this evaluation (PMID: 29440775). Two submitters have reported clinical-significance assessments for this variant to ClinVar after 2014. All submitters classified the variant as pathogenic. Based on the evidence outlined above, the variant was classified as pathogenic.

Labcorp Genetics (formerly Invitae), Labcorp
Classification: Pathogenic. Last evaluated: 2022-10-13. Review status: criteria provided, single submitter. Criteria: Invitae Variant Classification Sherloc (09022015). Collection method: clinical testing. Allele origin: germline.
Comment: For these reasons, this variant has been classified as Pathogenic. Variants that disrupt the consensus splice site are a relatively common cause of aberrant splicing (PMID: 17576681, 9536098). Studies have shown that this variant is associated with altered splicing resulting in multiple RNA products (PMID: 29440775). Experimental studies have shown that this variant affects QRSL1 function (PMID: 29440775). Algorithms developed to predict the effect of variants on protein structure and function are not available or were not evaluated for this variant. ClinVar contains an entry for this variant (Variation ID: 834719). This variant has been observed in individual(s) with clinical features of combined oxidative phosphorylation deficiency (PMID: 29440775). It has also been observed to segregate with disease in related individuals. This variant is present in population databases (no rsID available, gnomAD 0.002%). This sequence change falls in intron 7 of the QRSL1 gene. It does not directly change the encoded amino acid sequence of the QRSL1 protein. It affects a nucleotide within the consensus splice site.

OMIM
Classification: Pathogenic for COMBINED OXIDATIVE PHOSPHORYLATION DEFICIENCY 40. Last evaluated: 2020-04-11. Review status: no assertion criteria provided. Collection method: literature only. Allele origin: germline. Not counted in ClinVar's aggregate classification.

Literature cited by the submitters: PubMed 29440775 (cited by 3 submitters); PubMed 17576681 (cited by Labcorp Genetics (formerly Invitae), Labcorp); PubMed 9536098 (cited by Labcorp Genetics (formerly Invitae), Labcorp).

NM_018292.5(QRSL1):c.850-3A>G

Gene: QRSL1 (glutaminyl-tRNA amidotransferase subunit QRSL1; plus strand). Cytogenetic location: 6q21.
Variant type: single nucleotide variant.
Coding change: c.850-3A>G on transcript NM_018292.5 (MANE Select); 3 bases into the intron before coding-DNA position 850, A replaced by G.
Molecular consequence: intron variant.
Genome position (GRCh38, 1-based): chr6:106,654,727, A>G. VCF-style: chr6-106654727-A-G. GRCh37 (hg19) VCF-style: chr6-107102602-A-G.
Other names: IVS7AS, A-G, -3.
Identifiers: ClinVar variation 834719 (VCV000834719.7), dbSNP rs947204455, ClinGen allele CA144973439.